The following is an entry in ClinVar:

NM_001123385.2(BCOR):c.2139T>A (p.Phe713Leu)

Gene: BCOR (BCL6 corepressor; minus strand). Cytogenetic location: Xp11.4.
Variant type: single nucleotide variant.
Coding change: c.2139T>A on transcript NM_001123385.2 (MANE Select); coding-DNA position 2139, T replaced by A.
Protein change: p.Phe713Leu; replaces phenylalanine 713 with leucine.
Molecular consequence: missense variant.
Genome position (GRCh38, 1-based): chrX:40,073,207, A>T on the plus strand (T>A on the coding strand, the complement: BCOR is on the minus strand). VCF-style: chrX-40073207-A-T. GRCh37 (hg19) VCF-style: chrX-39932460-A-T.
Other names: c.2139T>A, p.Phe713Leu (NM_001123383.2, NM_001123384.2, NM_001437510.1 and 4 more transcripts); short protein forms F713L.
Identifiers: ClinVar variation 4740556 (VCV004740556.1).

ClinVar aggregate classification (germline): Uncertain significance (1 of 4 stars; one submission).

Conditions:
Oculofaciocardiodental syndrome (MCOPS2). Identifiers: Orphanet 2712, MedGen C1846265, MONDO:0010261, OMIM 300166.

gnomAD v4.1: 2 of 1,212,323 alleles (0.00016%); highest among the groups gnomAD compares: Admixed American, 0.0043%; no homozygotes.

Submission:

Labcorp Genetics (formerly Invitae), Labcorp
Classification: Uncertain significance for Oculofaciocardiodental syndrome. Last evaluated: 2025-09-08. Review status: criteria provided, single submitter. Criteria: Invitae Variant Classification Sherloc (09022015). Collection method: clinical testing. Allele origin: germline.
Comment: This sequence change replaces phenylalanine, which is neutral and non-polar, with leucine, which is neutral and non-polar, at codon 713 of the BCOR protein (p.Phe713Leu). This variant is present in population databases (rs748646208, gnomAD 0.008%). This variant has not been reported in the literature in individuals affected with BCOR-related conditions. An algorithm developed to predict the effect of missense changes on protein structure and function (PolyPhen-2) suggests that this variant is likely to be disruptive. In summary, the available evidence is currently insufficient to determine the role of this variant in disease. Therefore, it has been classified as a Variant of Uncertain Significance.